The following is an entry in ClinVar:

ClinVar aggregate classification (germline): Uncertain significance (1 of 4 stars; one submission).

Allele frequency attached by ClinVar (database versions not stated): TOPMed below 0.00001; ExAC 0.00001; gnomAD 0.00002; gnomAD exomes 0.00002.
gnomAD v4.1: 36 of 1,613,716 alleles (0.0022%); highest among the groups gnomAD compares: South Asian, 0.021%; no homozygotes.

Submission:

Labcorp Genetics (formerly Invitae), Labcorp
Classification: Uncertain significance. Last evaluated: 2021-05-31. Review status: criteria provided, single submitter. Criteria: Invitae Variant Classification Sherloc (09022015). Collection method: clinical testing. Allele origin: germline.
Comment: In summary, the available evidence is currently insufficient to determine the role of this variant in disease. Therefore, it has been classified as a Variant of Uncertain Significance. Algorithms developed to predict the effect of missense changes on protein structure and function are either unavailable or do not agree on the potential impact of this missense change (SIFT: "Tolerated"; PolyPhen-2: "Benign"; Align-GVGD: "Class C25"). This variant has not been reported in the literature in individuals with EXOSC9-related conditions. This variant is present in population databases (rs757502637, ExAC 0.006%). This sequence change replaces alanine with serine at codon 289 of the EXOSC9 protein (p.Ala289Ser). The alanine residue is moderately conserved and there is a moderate physicochemical difference between alanine and serine.

NM_005033.3(EXOSC9):c.865G>T (p.Ala289Ser)

Gene: EXOSC9 (exosome component 9; plus strand). Cytogenetic location: 4q27.
Variant type: single nucleotide variant.
Coding change: c.865G>T on transcript NM_005033.3 (MANE Select); coding-DNA position 865, G replaced by T.
Protein change: p.Ala289Ser; replaces alanine 289 with serine.
Molecular consequence: missense variant.
Genome position (GRCh38, 1-based): chr4:121,813,271, G>T. VCF-style: chr4-121813271-G-T. GRCh37 (hg19) VCF-style: chr4-122734426-G-T.
Other names: c.865G>T, p.Ala289Ser (NM_001034194.2); short protein forms A289S.
Identifiers: ClinVar variation 1349806 (VCV001349806.8), dbSNP rs757502637, ClinGen allele CA3063565.